The following is an entry in ClinVar:

NM_001673.5(ASNS):c.3G>T (p.Met1Ile)

Genes: ASNS (asparagine synthetase (glutamine-hydrolyzing); minus strand), CZ1P-ASNS (CZ1P-ASNS readthrough; minus strand). Cytogenetic location: 7q21.3.
Variant type: single nucleotide variant.
Coding change: c.3G>T on transcript NM_001673.5 (MANE Select); coding-DNA position 3, G replaced by T.
Protein change: p.Met1Ile; changes the start codon (methionine 1).
Molecular consequence: missense variant, initiator codon variant. On other transcripts: non-coding transcript variant (1), intron variant (3).
Genome position (GRCh38, 1-based): chr7:97,869,154, C>A on the plus strand (G>T on the coding strand, the complement: ASNS is on the minus strand). VCF-style: chr7-97869154-C-A. GRCh37 (hg19) VCF-style: chr7-97498466-C-A.
Other names: c.3G>T, p.Met1Ile (NM_001352496.2, NM_133436.3, NM_183356.4); c.-1+3197G>T (NM_001178076.2); c.-12-49G>T (NM_001178075.2); c.-1+2887G>T (NM_001178077.1); short protein forms M1I.
Identifiers: ClinVar variation 2864583 (VCV002864583.3), dbSNP rs2484698746, ClinGen allele CA368274625.

ClinVar aggregate classification (germline): Pathogenic (1 of 4 stars; one submission).

Submission:

Labcorp Genetics (formerly Invitae), Labcorp
Classification: Pathogenic. Last evaluated: 2023-05-22. Review status: criteria provided, single submitter. Criteria: Invitae Variant Classification Sherloc (09022015). Collection method: clinical testing. Allele origin: germline.
Comment: This sequence change affects the initiator methionine of the ASNS mRNA. The next in-frame methionine is located at codon 22. This variant is not present in population databases (gnomAD no frequency). This variant has not been reported in the literature in individuals affected with ASNS-related conditions. This variant disrupts a region of the ASNS protein in which other variant(s) (p.Ala6Glu) have been determined to be pathogenic (PMID: 24139043). This suggests that this is a clinically significant region of the protein, and that variants that disrupt it are likely to be disease-causing. For these reasons, this variant has been classified as Pathogenic.

Literature cited by the submitters: PubMed 24139043.